The following is an entry in ClinVar:

NM_005548.3(KARS1):c.1175G>A (p.Arg392Gln)

Gene: KARS1 (lysyl-tRNA synthetase 1; minus strand). Cytogenetic location: 16q23.1.
Variant type: single nucleotide variant.
Coding change: c.1175G>A on transcript NM_005548.3 (MANE Select); coding-DNA position 1175, G replaced by A.
Protein change: p.Arg392Gln; replaces arginine 392 with glutamine.
Molecular consequence: missense variant.
Genome position (GRCh38, 1-based): chr16:75,631,493, C>T on the plus strand (G>A on the coding strand, the complement: KARS1 is on the minus strand). VCF-style: chr16-75631493-C-T. GRCh37 (hg19) VCF-style: chr16-75665391-C-T.
Other names: c.1259G>A, p.Arg420Gln (NM_001130089.2); c.707G>A, p.Arg236Gln (NM_001378148.1); short protein forms R236Q, R392Q, R420Q.
Identifiers: ClinVar variation 1318985 (VCV001318985.17), dbSNP rs370244075, ClinGen allele CA8177365.
Genomic context (GRCh38, chr16:75,631,493, plus strand): 5'-TTCGTTTCTGGCAGCTTCATCCCCAGGGCTTTCTCAAGCTCTTCTACCATGTTGATTCGC[C>T]GGAAGGGTGGGGTGAAGTCAACATCGTAGGCTTGGCCCTCTGGGCCATCTGGGTGGTAGG-3'
Protein context (NP_005539.1, residues 382-402): AYDVDFTPPF[Arg392Gln]RINMVEELEK

ClinVar aggregate classification (germline): Uncertain significance. Review status: criteria provided, multiple submitters, no conflicts (2 of 4 stars). 6 submissions from 6 submitters: Uncertain significance (6). Last evaluated 2026-10-08.

Conditions:
KARS1-related disorder. Also called: KARS1-related disorders.

Allele frequency attached by ClinVar (database versions not stated): gnomAD exomes 0.00005; ESP Exome Variant Server 0.00008; TOPMed 0.00009; gnomAD 0.00005.
gnomAD v4.1: 113 of 1,614,132 alleles (0.007%); highest among the groups gnomAD compares: Middle Eastern, 0.016%; 1 homozygote.

Submissions (7):

GeneDx
Classification: Uncertain significance. Last evaluated: 2026-10-08. Review status: criteria provided, single submitter. Criteria: GeneDx Variant Classification Process June 2021. Collection method: clinical testing. Allele origin: germline.
Comment: In silico analysis suggests that this missense variant does not alter protein structure/function; In silico analysis suggests this variant may impact gene splicing. In the absence of RNA/functional studies, the actual effect of this sequence change is unknown; This variant is associated with the following publications: (PMID: 39062005)

PreventionGenetics, part of Exact Sciences
Classification: Uncertain significance for KARS1-related condition. Last evaluated: 2025-12-02. Review status: criteria provided, single submitter. Criteria: ACMG Guidelines, 2015. Collection method: clinical testing. Allele origin: germline.
Comment: The KARS1 c.1259G>A variant is predicted to result in the amino acid substitution p.Arg420Gln. To our knowledge, this variant has not been reported in the literature. This variant is reported in 0.015% of alleles in individuals of East Asian descent in gnomAD. At this time, the clinical significance of this variant is uncertain due to the absence of conclusive functional and genetic evidence.

Ambry Genetics
Classification: Uncertain significance. Last evaluated: 2025-08-01. Review status: criteria provided, single submitter. Criteria: Ambry Variant Classification Scheme 2023. Collection method: clinical testing. Allele origin: germline.

ARUP Laboratories, Molecular Genetics and Genomics, ARUP Laboratories
Classification: Uncertain significance. Last evaluated: 2025-01-30. Review status: criteria provided, single submitter. Criteria: ARUP Molecular Germline Variant Investigation Process 2024. Collection method: clinical testing. Allele origin: germline.
Comment: The KARS1 c.1259G>A; p.Arg420Gln variant (rs370244075), to our knowledge, is not reported in the medical literature but is reported in ClinVar (Variation ID: 1318985). This variant is found in the general population with an overall allele frequency of 0.008% (24/282792 alleles) in the Genome Aggregation Database (v2.1.1). Computational analyses are uncertain whether this variant is neutral or deleterious (REVEL: 0.407). Due to limited information, the clinical significance of this variant is uncertain at this time.

Blueprint Genetics
Classification: Uncertain significance. Last evaluated: 2024-10-28. Review status: criteria provided, single submitter. Criteria: ACMG Guidelines, 2015. Collection method: clinical testing. Allele origin: germline.

Labcorp Genetics (formerly Invitae), Labcorp
Classification: Uncertain significance. Last evaluated: 2022-10-24. Review status: criteria provided, single submitter. Criteria: Invitae Variant Classification Sherloc (09022015). Collection method: clinical testing. Allele origin: germline.
Comment: This sequence change replaces arginine, which is basic and polar, with glutamine, which is neutral and polar, at codon 420 of the KARS protein (p.Arg420Gln). This variant is present in population databases (rs370244075, gnomAD 0.02%). This variant has not been reported in the literature in individuals affected with KARS-related conditions. ClinVar contains an entry for this variant (Variation ID: 1318985). Advanced modeling of protein sequence and biophysical properties (such as structural, functional, and spatial information, amino acid conservation, physicochemical variation, residue mobility, and thermodynamic stability) performed at Invitae indicates that this missense variant is not expected to disrupt KARS protein function. Algorithms developed to predict the effect of sequence changes on RNA splicing suggest that this variant may create or strengthen a splice site. In summary, the available evidence is currently insufficient to determine the role of this variant in disease. Therefore, it has been classified as a Variant of Uncertain Significance.

Dr. Peter K. Rogan Lab, Western University
No classification provided (evidence only). Condition: Thyroid cancer, nonmedullary, 1. Review status: no classification provided. Collection method: in vitro. Allele origin: not applicable. Functional consequence: retained intron. Not counted in ClinVar's aggregate classification.